The following is an entry in ClinVar:

NM_004369.4(COL6A3):c.7029+3A>G

Gene: COL6A3 (collagen type VI alpha 3 chain; minus strand). Cytogenetic location: 2q37.3.
Variant type: single nucleotide variant.
Coding change: c.7029+3A>G on transcript NM_004369.4 (MANE Select); 3 bases into the intron after coding-DNA position 7029, A replaced by G.
Molecular consequence: intron variant.
Genome position (GRCh38, 1-based): chr2:237,347,804, T>C on the plus strand (A>G on the coding strand, the complement: COL6A3 is on the minus strand). VCF-style: chr2-237347804-T-C. GRCh37 (hg19) VCF-style: chr2-238256447-T-C.
Other names: c.5208+3A>G (NM_057166.5); c.6411+3A>G (NM_057167.4).
Identifiers: ClinVar variation 290495 (VCV000290495.14), dbSNP rs886044464, ClinGen allele CA10606788.
Genomic context (GRCh38, chr2:237,347,804, plus strand): 5'-GTTAATCACATTGAGACATACGTTCTCATTCCTCACCTGCAGCCAAGGCCCACGCAAACT[T>C]ACCCTTCGGCCTCTGATGCCTTTGGGTCCTGTTGTTCCATTTAGCCCAGGTTCACCTGGG-3'

ClinVar aggregate classification (germline): Uncertain significance. Review status: criteria provided, multiple submitters, no conflicts (2 of 4 stars). 3 submissions from 3 submitters: Uncertain significance (2). 1 of the submissions does not count toward it. Last evaluated 2025-08-16.

Conditions:
COL6A3-related disorder. Also called: COL6A3-related disorders; COL6A3-related condition.
Bethlem myopathy 1A. Also called: Bethlem Muscular Dystrophy; MYOPATHY, BENIGN CONGENITAL, WITH CONTRACTURES; Bethlem myopathy 1. Identifiers: Orphanet 610, MedGen CN029274, MONDO:0024530, OMIM 158810.

Allele frequency attached by ClinVar (database versions not stated): gnomAD 0.00001; gnomAD exomes 0.00001; TOPMed 0.00001.
gnomAD v4.1: 18 of 1,609,184 alleles (0.0011%); highest among the groups gnomAD compares: Non-Finnish European, 0.0014%; no homozygotes.

Submissions (3):

Labcorp Genetics (formerly Invitae), Labcorp
Classification: Uncertain significance for Bethlem myopathy 1A. Last evaluated: 2025-08-16. Review status: criteria provided, single submitter. Criteria: Invitae Variant Classification Sherloc (09022015). Collection method: clinical testing. Allele origin: germline.
Comment: This sequence change falls in intron 31 of the COL6A3 gene. It does not directly change the encoded amino acid sequence of the COL6A3 protein. It affects a nucleotide within the consensus splice site. This variant is present in population databases (no rsID available, gnomAD 0.004%). This variant has not been reported in the literature in individuals affected with COL6A3-related conditions. ClinVar contains an entry for this variant (Variation ID: 290495). Variants that disrupt the consensus splice site are a relatively common cause of aberrant splicing (PMID: 17576681, 9536098). Algorithms developed to predict the effect of sequence changes on RNA splicing suggest that this variant may create or strengthen a splice site. In summary, the available evidence is currently insufficient to determine the role of this variant in disease. Therefore, it has been classified as a Variant of Uncertain Significance.

Eurofins Ntd Llc (ga)
Classification: Uncertain significance. Last evaluated: 2016-08-25. Review status: criteria provided, single submitter. Criteria: EGL Classification Definitions 2015. Collection method: clinical testing. Allele origin: germline. Observed: 1 variant allele, 1 heterozygote.

PreventionGenetics, part of Exact Sciences
Classification: Likely benign for COL6A3-related condition. Last evaluated: 2022-04-13. Review status: no assertion criteria provided. Collection method: clinical testing. Allele origin: germline. Not counted in ClinVar's aggregate classification.
Comment: This variant is classified as likely benign based on ACMG/AMP sequence variant interpretation guidelines (Richards et al. 2015 PMID: 25741868, with internal and published modifications).

Literature cited by the submitters: PubMed 17576681 (cited by Labcorp Genetics (formerly Invitae), Labcorp); PubMed 9536098 (cited by Labcorp Genetics (formerly Invitae), Labcorp).